The following is an entry in ClinVar:

NM_024312.5(GNPTAB):c.269del (p.Leu90fs)

Gene: GNPTAB (N-acetylglucosamine-1-phosphate transferase subunits alpha and beta; minus strand). Cytogenetic location: 12q23.2.
Variant type: Deletion.
Coding change: c.269del on transcript NM_024312.5 (MANE Select); coding-DNA position 269, one base deleted (T; older notation c.269delT).
Protein change: p.Leu90fs; shifts the reading frame from leucine 90.
Molecular consequence: frameshift variant.
Genome position (GRCh38, 1-based): chr12:101,789,992, A deleted on the plus strand (T on the coding strand, the reverse complement: GNPTAB is on the minus strand). VCF-style (leftmost placement, unchanged base first): chr12-101789991-CA-C. GRCh37 (hg19) VCF-style: chr12-102183769-CA-C.
Other names: short protein forms L90fs.
Identifiers: ClinVar variation 1362626 (VCV001362626.6), dbSNP rs2137150220, ClinGen allele CA2573147916.

ClinVar aggregate classification (germline): Pathogenic (1 of 4 stars; one submission).

Conditions:
Pseudo-Hurler polydystrophy. Also called: ML III; ML III ALPHA/BETA; MUCOLIPIDOSIS IIIA; Type III Mucolipidosis; ML IIIA; Mucolipidosis III Alpha/Beta. Identifiers: Orphanet 423461, Orphanet 577, MedGen C0033788, MONDO:0018931, OMIM 252600.
Mucolipidosis type II. Also called: ML II ALPHA/BETA; Mucolipidosis 2; ML 2; Inclusion cell disease; Leroy Disease; N-acetylglucosamine 1phosphotransferase deficiency. Identifiers: Orphanet 576, MedGen C2673377, MONDO:0009650, OMIM 252500.

Submission:

Labcorp Genetics (formerly Invitae), Labcorp
Classification: Pathogenic for Pseudo-Hurler polydystrophy; Mucolipidosis type II. Last evaluated: 2021-03-13. Review status: criteria provided, single submitter. Criteria: Invitae Variant Classification Sherloc (09022015). Collection method: clinical testing. Allele origin: germline.
Comment: This variant has not been reported in the literature in individuals with GNPTAB-related conditions. For these reasons, this variant has been classified as Pathogenic. This variant is not present in population databases (ExAC no frequency). This sequence change creates a premature translational stop signal (p.Leu90Argfs*18) in the GNPTAB gene. It is expected to result in an absent or disrupted protein product. Loss-of-function variants in GNPTAB are known to be pathogenic (PMID: 19617216, 25107912).

Literature cited by the submitters: PubMed 19617216; PubMed 25107912.